The following is an entry in ClinVar:

NM_001130438.3(SPTAN1):c.3310C>A (p.Gln1104Lys)

Gene: SPTAN1 (spectrin alpha, non-erythrocytic 1; plus strand). Cytogenetic location: 9q34.11.
Variant type: single nucleotide variant.
Coding change: c.3310C>A on transcript NM_001130438.3 (MANE Select); coding-DNA position 3310, C replaced by A.
Protein change: p.Gln1104Lys; replaces glutamine 1104 with lysine.
Molecular consequence: missense variant.
Genome position (GRCh38, 1-based): chr9:128,594,269, C>A. VCF-style: chr9-128594269-C-A. GRCh37 (hg19) VCF-style: chr9-131356548-C-A.
Other names: c.3250C>A, p.Gln1084Lys (NM_001195532.2, NM_001363765.2, NM_001375314.2); c.3310C>A, p.Gln1104Lys (NM_001363759.2, NM_001375310.1, NM_001375311.2 and 2 more transcripts); c.3346C>A, p.Gln1116Lys (NM_001375312.2, NM_001375318.1); short protein forms Q1084K, Q1116K, Q1104K.
Identifiers: ClinVar variation 2174605 (VCV002174605.4), dbSNP rs1353877510, ClinGen allele CA375061936.

ClinVar aggregate classification (germline): Uncertain significance (1 of 4 stars; one submission).

Conditions:
Early-infantile DEE. Also called: Ohtahara syndrome; Early infantile epileptic encephalopathy; Early infantile epileptic encephalopathy with suppression bursts. Identifiers: Orphanet 1934, MedGen C0393706, MONDO:0800491.

Allele frequency attached by ClinVar (database versions not stated): gnomAD exomes 0.00001.
gnomAD v4.1: 3 of 1,614,056 alleles (0.00019%); highest among the groups gnomAD compares: Non-Finnish European, 0.00025%; no homozygotes.

Submission:

Labcorp Genetics (formerly Invitae), Labcorp
Classification: Uncertain significance for Early-infantile DEE. Last evaluated: 2025-04-08. Review status: criteria provided, single submitter. Criteria: Invitae Variant Classification Sherloc (09022015). Collection method: clinical testing. Allele origin: germline.
Comment: This sequence change replaces glutamine, which is neutral and polar, with lysine, which is basic and polar, at codon 1104 of the SPTAN1 protein (p.Gln1104Lys). This variant is present in population databases (no rsID available, gnomAD 0.0009%). This variant has not been reported in the literature in individuals affected with SPTAN1-related conditions. ClinVar contains an entry for this variant (Variation ID: 2174605). Invitae Evidence Modeling of protein sequence and biophysical properties (such as structural, functional, and spatial information, amino acid conservation, physicochemical variation, residue mobility, and thermodynamic stability) has been performed for this missense variant. However, the output from this modeling did not meet the statistical confidence thresholds required to predict the impact of this variant on SPTAN1 protein function. In summary, the available evidence is currently insufficient to determine the role of this variant in disease. Therefore, it has been classified as a Variant of Uncertain Significance.